The following is an entry in ClinVar:

ClinVar aggregate classification (germline): Uncertain significance (1 of 4 stars; one submission).

Conditions:
Episodic ataxia type 2 (EA2). Also called: ATAXIA, EPISODIC, WITH NYSTAGMUS; ATAXIA, FAMILIAL PAROXYSMAL; ACETAZOLAMIDE-RESPONSIVE HEREDITARY PAROXYSMAL CEREBELLAR ATAXIA; CEREBELLAR ATAXIA, PAROXYSMAL, ACETAZOLAMIDE-RESPONSIVE; CEREBELLOPATHY, HEREDITARY PAROXYSMAL; EPISODIC ATAXIA, NYSTAGMUS-ASSOCIATED. Identifiers: Orphanet 97, MedGen C1720416, MONDO:0007163, OMIM 108500.
Developmental and epileptic encephalopathy, 42 (DEE42A). Also called: Epileptic encephalopathy, early infantile, 42; DEVELOPMENTAL AND EPILEPTIC ENCEPHALOPATHY 42A; EPILEPTIC ENCEPHALOPATHY, EARLY INFANTILE, 42A. Identifiers: MedGen C4310716, MONDO:0014917, OMIM 617106.

gnomAD v4.1: 1 of 1,610,744 alleles (0.000062%); highest among the groups gnomAD compares: Non-Finnish European, 0.000085%; no homozygotes.

Submission:

Labcorp Genetics (formerly Invitae), Labcorp
Classification: Uncertain significance for Developmental and epileptic encephalopathy, 42; Episodic ataxia type 2. Last evaluated: 2024-11-03. Review status: criteria provided, single submitter. Criteria: Invitae Variant Classification Sherloc (09022015). Collection method: clinical testing. Allele origin: germline.
Comment: This sequence change replaces valine, which is neutral and non-polar, with leucine, which is neutral and non-polar, at codon 1276 of the CACNA1A protein (p.Val1276Leu). This variant is not present in population databases (gnomAD no frequency). This variant has not been reported in the literature in individuals affected with CACNA1A-related conditions. An algorithm developed to predict the effect of missense changes on protein structure and function (PolyPhen-2) suggests that this variant is likely to be disruptive. In summary, the available evidence is currently insufficient to determine the role of this variant in disease. Therefore, it has been classified as a Variant of Uncertain Significance.

NM_001127222.2(CACNA1A):c.3823G>T (p.Val1275Leu)

Gene: CACNA1A (calcium voltage-gated channel subunit alpha1 A; minus strand). Cytogenetic location: 19p13.13.
Variant type: single nucleotide variant.
Coding change: c.3823G>T on transcript NM_001127222.2 (MANE Select); coding-DNA position 3823, G replaced by T.
Protein change: p.Val1275Leu; replaces valine 1275 with leucine.
Molecular consequence: missense variant.
Genome position (GRCh38, 1-based): chr19:13,277,128, C>A on the plus strand (G>T on the coding strand, the complement: CACNA1A is on the minus strand). VCF-style: chr19-13277128-C-A. GRCh37 (hg19) VCF-style: chr19-13387942-C-A.
Other names: c.3835G>T, p.Val1279Leu (NM_000068.4, NM_023035.3); c.3826G>T, p.Val1276Leu (NM_001127221.2, NM_001174080.2); short protein forms V1275L, V1276L, V1279L.
Identifiers: ClinVar variation 3762033 (VCV003762033.2).